The following is an entry in ClinVar:

NM_004655.4(AXIN2):c.2045A>G (p.Asp682Gly)

Gene: AXIN2 (axin 2; minus strand). Cytogenetic location: 17q24.1.
Variant type: single nucleotide variant.
Coding change: c.2045A>G on transcript NM_004655.4 (MANE Select); coding-DNA position 2045, A replaced by G.
Protein change: p.Asp682Gly; replaces aspartic acid 682 with glycine.
Molecular consequence: missense variant.
Genome position (GRCh38, 1-based): chr17:65,536,416, T>C on the plus strand (A>G on the coding strand, the complement: AXIN2 is on the minus strand). VCF-style: chr17-65536416-T-C. GRCh37 (hg19) VCF-style: chr17-63532534-T-C.
Other names: c.1850A>G, p.Asp617Gly (NM_001363813.1); c.2045A>G (NM_004655.3); short protein forms D682G, D617G.
Identifiers: ClinVar variation 1485615 (VCV001485615.8), dbSNP rs2144441077, ClinGen allele CA400676097.

ClinVar aggregate classification (germline): Uncertain significance. Review status: criteria provided, multiple submitters, no conflicts (2 of 4 stars). 2 submissions from 2 submitters: Uncertain significance (2). Last evaluated 2025-03-17.

Conditions:
Hereditary cancer-predisposing syndrome. Also called: Hereditary neoplastic syndrome; Neoplastic Syndromes, Hereditary; Hereditary Cancer Syndrome; Tumor predisposition. Identifiers: Orphanet 140162, MedGen C0027672, MeSH D009386, MONDO:0015356.
Oligodontia-cancer predisposition syndrome. Also called: TOOTH AGENESIS-COLORECTAL CANCER SYNDROME. Identifiers: Orphanet 300576, MedGen C1837750, MONDO:0012075, OMIM 608615. Disease mechanism: loss of function.

Submissions (2):

Ambry Genetics
Classification: Uncertain significance for Hereditary cancer-predisposing syndrome. Last evaluated: 2025-03-17. Review status: criteria provided, single submitter. Criteria: Ambry Variant Classification Scheme 2023. Collection method: clinical testing. Allele origin: germline.
Comment: The p.D682G variant (also known as c.2045A>G), located in coding exon 7 of the AXIN2 gene, results from an A to G substitution at nucleotide position 2045. The aspartic acid at codon 682 is replaced by glycine, an amino acid with similar properties. This amino acid position is conserved. In addition, this alteration is predicted to be deleterious by in silico analysis. Based on the available evidence, the clinical significance of this variant remains unclear.

Labcorp Genetics (formerly Invitae), Labcorp
Classification: Uncertain significance for Oligodontia-cancer predisposition syndrome. Last evaluated: 2023-07-28. Review status: criteria provided, single submitter. Criteria: Invitae Variant Classification Sherloc (09022015). Collection method: clinical testing. Allele origin: germline.
Comment: Advanced modeling of protein sequence and biophysical properties (such as structural, functional, and spatial information, amino acid conservation, physicochemical variation, residue mobility, and thermodynamic stability) performed at Invitae indicates that this missense variant is expected to disrupt AXIN2 protein function. In summary, the available evidence is currently insufficient to determine the role of this variant in disease. Therefore, it has been classified as a Variant of Uncertain Significance. ClinVar contains an entry for this variant (Variation ID: 1485615). This variant has not been reported in the literature in individuals affected with AXIN2-related conditions. This variant is not present in population databases (gnomAD no frequency). This sequence change replaces aspartic acid, which is acidic and polar, with glycine, which is neutral and non-polar, at codon 682 of the AXIN2 protein (p.Asp682Gly).